The following is an entry in ClinVar:

NM_001023570.4(IQCB1):c.1364G>A (p.Arg455Gln)

Gene: IQCB1 (IQ motif containing B1; minus strand). Cytogenetic location: 3q13.33.
Variant type: single nucleotide variant.
Coding change: c.1364G>A on transcript NM_001023570.4 (MANE Select); coding-DNA position 1364, G replaced by A.
Protein change: p.Arg455Gln; replaces arginine 455 with glutamine.
Molecular consequence: missense variant. On other transcripts: non-coding transcript variant (1).
Genome position (GRCh38, 1-based): chr3:121,781,789, C>T on the plus strand (G>A on the coding strand, the complement: IQCB1 is on the minus strand). VCF-style: chr3-121781789-C-T. GRCh37 (hg19) VCF-style: chr3-121500636-C-T.
Other names: c.965G>A, p.Arg322Gln (NM_001023571.4); c.1364G>A, p.Arg455Gln (NM_001319107.2); c.1364G>A (NM_001023570.2); short protein forms R455Q, R322Q.
Identifiers: ClinVar variation 1420510 (VCV001420510.9), dbSNP rs766072332, ClinGen allele CA2567116.

ClinVar aggregate classification (germline): Uncertain significance. Review status: criteria provided, multiple submitters, no conflicts (2 of 4 stars). 4 submissions from 4 submitters: Uncertain significance (4). Last evaluated 2025-08-05.

Conditions:
Senior-Loken syndrome 5 (SLSN5). Identifiers: Orphanet 3156, MedGen C1836517, MONDO:0012225, OMIM 609254.
Inborn genetic diseases. Identifiers: MedGen C0950123, MeSH D030342.
Nephronophthisis. Also called: Juvenile Nephronophthisis. Identifiers: Orphanet 655, MedGen C0687120, MONDO:0019005, HP:0000090.

Allele frequency attached by ClinVar (database versions not stated): gnomAD 0.00001; ExAC 0.00003; TOPMed 0.00003; gnomAD exomes 0.00004.
gnomAD v4.1: 52 of 1,613,664 alleles (0.0032%); highest among the groups gnomAD compares: East Asian, 0.047%; no homozygotes.

Submissions (4):

Ambry Genetics
Classification: Uncertain significance for Inborn genetic diseases. Last evaluated: 2025-08-05. Review status: criteria provided, single submitter. Criteria: Ambry Variant Classification Scheme 2023. Collection method: clinical testing. Allele origin: germline.

Blueprint Genetics
Classification: Uncertain significance. Last evaluated: 2024-10-09. Review status: criteria provided, single submitter. Criteria: ACMG Guidelines, 2015. Collection method: clinical testing. Allele origin: germline.

Labcorp Genetics (formerly Invitae), Labcorp
Classification: Uncertain significance for Nephronophthisis. Last evaluated: 2022-10-24. Review status: criteria provided, single submitter. Criteria: Invitae Variant Classification Sherloc (09022015). Collection method: clinical testing. Allele origin: germline.
Comment: This sequence change replaces arginine, which is basic and polar, with glutamine, which is neutral and polar, at codon 455 of the IQCB1 protein (p.Arg455Gln). This variant is present in population databases (rs766072332, gnomAD 0.02%). This variant has not been reported in the literature in individuals affected with IQCB1-related conditions. ClinVar contains an entry for this variant (Variation ID: 1420510). Advanced modeling of protein sequence and biophysical properties (such as structural, functional, and spatial information, amino acid conservation, physicochemical variation, residue mobility, and thermodynamic stability) performed at Invitae indicates that this missense variant is not expected to disrupt IQCB1 protein function. In summary, the available evidence is currently insufficient to determine the role of this variant in disease. Therefore, it has been classified as a Variant of Uncertain Significance.

Fulgent Genetics
Classification: Uncertain significance for Senior-Loken syndrome 5. Last evaluated: 2022-03-24. Review status: criteria provided, single submitter. Criteria: ACMG Guidelines, 2015. Collection method: clinical testing. Allele origin: unknown.